The following is an entry in ClinVar:

ClinVar aggregate classification (germline): Uncertain significance. Review status: criteria provided, multiple submitters, no conflicts (2 of 4 stars). 2 submissions from 2 submitters: Uncertain significance (2). Last evaluated 2026-01-27.

Conditions:
HADHA-related disorder. Also called: HADHA-related condition; HADHA-related disorders.
Long chain 3-hydroxyacyl-CoA dehydrogenase deficiency. Also called: Deficiency of long-chain 3-hydroxyacyl-coenzyme A dehydrogenase; LCHAD Deficiency. Identifiers: Orphanet 5, MedGen C3711645, MONDO:0012173, OMIM 609016.
Mitochondrial trifunctional protein deficiency. Identifiers: Orphanet 746, MedGen C1969443, MONDO:0012172.

Allele frequency attached by ClinVar (database versions not stated): ExAC 0.00001; gnomAD 0.00001; gnomAD exomes 0.00001; TOPMed 0.00003.
gnomAD v4.1: 11 of 1,494,210 alleles (0.00074%); highest among the groups gnomAD compares: Admixed American, 0.0017%; no homozygotes.

Submissions (2):

PreventionGenetics, part of Exact Sciences
Classification: Uncertain significance for HADHA-related condition. Last evaluated: 2026-01-27. Review status: criteria provided, single submitter. Criteria: ACMG Guidelines, 2015. Collection method: clinical testing. Allele origin: germline.
Comment: The HADHA c.800A>G variant is predicted to result in the amino acid substitution p.Lys267Arg. To our knowledge, this variant has not been reported in the literature. This variant is reported in 0.0016% of alleles in individuals of European (Non-Finnish) descent in gnomAD. At this time, the clinical significance of this variant is uncertain due to the absence of conclusive functional and genetic evidence.

Labcorp Genetics (formerly Invitae), Labcorp
Classification: Uncertain significance for Mitochondrial trifunctional protein deficiency; Long chain 3-hydroxyacyl-CoA dehydrogenase deficiency. Last evaluated: 2021-12-23. Review status: criteria provided, single submitter. Criteria: Invitae Variant Classification Sherloc (09022015). Collection method: clinical testing. Allele origin: germline.
Comment: This sequence change replaces lysine, which is basic and polar, with arginine, which is basic and polar, at codon 267 of the HADHA protein (p.Lys267Arg). This variant is present in population databases (rs751352005, gnomAD 0.002%). This variant has not been reported in the literature in individuals affected with HADHA-related conditions. Algorithms developed to predict the effect of missense changes on protein structure and function output the following: SIFT: "Tolerated"; PolyPhen-2: "Benign"; Align-GVGD: "Class C0". The arginine amino acid residue is found in multiple mammalian species, which suggests that this missense change does not adversely affect protein function. In summary, the available evidence is currently insufficient to determine the role of this variant in disease. Therefore, it has been classified as a Variant of Uncertain Significance.

NM_000182.5(HADHA):c.800A>G (p.Lys267Arg)

Gene: HADHA (hydroxyacyl-CoA dehydrogenase trifunctional multienzyme complex subunit alpha; minus strand). Cytogenetic location: 2p23.3.
Variant type: single nucleotide variant.
Coding change: c.800A>G on transcript NM_000182.5 (MANE Select); coding-DNA position 800, A replaced by G.
Protein change: p.Lys267Arg; replaces lysine 267 with arginine.
Molecular consequence: missense variant.
Genome position (GRCh38, 1-based): chr2:26,214,561, T>C on the plus strand (A>G on the coding strand, the complement: HADHA is on the minus strand). VCF-style: chr2-26214561-T-C. GRCh37 (hg19) VCF-style: chr2-26437430-T-C.
Other names: c.800A>G (NM_000182.4); short protein forms K267R.
Identifiers: ClinVar variation 2047937 (VCV002047937.2), dbSNP rs751352005, ClinGen allele CA1559774.